The following is an entry in ClinVar:

NM_000051.4(ATM):c.2483A>T (p.Lys828Met)

Gene: ATM (ATM serine/threonine kinase; plus strand). Cytogenetic location: 11q22.3.
Variant type: single nucleotide variant.
Coding change: c.2483A>T on transcript NM_000051.4 (MANE Select); coding-DNA position 2483, A replaced by T.
Protein change: p.Lys828Met; replaces lysine 828 with methionine.
Molecular consequence: missense variant.
Genome position (GRCh38, 1-based): chr11:108,267,187, A>T. VCF-style: chr11-108267187-A-T. GRCh37 (hg19) VCF-style: chr11-108137914-A-T.
Other names: c.2483A>T, p.Lys828Met (NM_001351834.2); c.2483A>T (NM_000051.3); short protein forms K828M.
Identifiers: ClinVar variation 1024697 (VCV001024697.7), dbSNP rs2081301026, ClinGen allele CA382543218.
Genomic context (GRCh38, chr11:108,267,187, plus strand): 5'-CTGCAAGAAGCCATCTTGAACATCTTTGTTTCTCTTCCTTGAAGGCATCCTTCATCAAAA[A>T]GCCATTTGACCGTGGAGAAGTAGAATCAATGGAAGATGATACTAATGGAAATCTAATGGA-3'
Protein context (NP_000042.3, residues 818-838): ICKSLASFIK[Lys828Met]PFDRGEVESM

ClinVar aggregate classification (germline): Uncertain significance. Review status: criteria provided, multiple submitters, no conflicts (2 of 4 stars). 2 submissions from 2 submitters: Uncertain significance (2). Last evaluated 2024-09-18.

Conditions:
Ataxia-telangiectasia syndrome (AT). Also called: ATAXIA-TELANGIECTASIA, FRESNO VARIANT; Ataxia-telangiectasia, complementation group D; AT, COMPLEMENTATION GROUP C; Cerebello-oculocutaneous telangiectasia; Immunodeficiency with ataxia telangiectasia; Ataxia telangiectasia (A-T). Identifiers: Orphanet 100, MedGen C0004135, MONDO:0008840, OMIM 208900.
Hereditary cancer-predisposing syndrome. Also called: Hereditary neoplastic syndrome; Neoplastic Syndromes, Hereditary; Tumor predisposition; Hereditary Cancer Syndrome. Identifiers: Orphanet 140162, MedGen C0027672, MeSH D009386, MONDO:0015356.

Submissions (2):

Ambry Genetics
Classification: Uncertain significance for Hereditary cancer-predisposing syndrome. Last evaluated: 2024-09-18. Review status: criteria provided, single submitter. Criteria: Ambry Variant Classification Scheme 2023. Collection method: clinical testing. Allele origin: germline.
Comment: The p.K828M variant (also known as c.2483A>T), located in coding exon 16 of the ATM gene, results from an A to T substitution at nucleotide position 2483. The lysine at codon 828 is replaced by methionine, an amino acid with similar properties. This amino acid position is conserved. In addition, this alteration is predicted to be tolerated by in silico analysis. Based on the available evidence, the clinical significance of this variant remains unclear.

Labcorp Genetics (formerly Invitae), Labcorp
Classification: Uncertain significance for Ataxia-telangiectasia syndrome. Last evaluated: 2021-10-18. Review status: criteria provided, single submitter. Criteria: Invitae Variant Classification Sherloc (09022015). Collection method: clinical testing. Allele origin: germline.
Comment: This sequence change replaces lysine with methionine at codon 828 of the ATM protein (p.Lys828Met). The lysine residue is moderately conserved and there is a moderate physicochemical difference between lysine and methionine. This variant is not present in population databases (ExAC no frequency). This variant has not been reported in the literature in individuals affected with ATM-related conditions. Advanced modeling of protein sequence and biophysical properties (such as structural, functional, and spatial information, amino acid conservation, physicochemical variation, residue mobility, and thermodynamic stability) performed at Invitae indicates that this missense variant is not expected to disrupt ATM protein function. In summary, the available evidence is currently insufficient to determine the role of this variant in disease. Therefore, it has been classified as a Variant of Uncertain Significance.